The following is an entry in ClinVar:

ClinVar aggregate classification (germline): Uncertain significance. Review status: criteria provided, multiple submitters, no conflicts (2 of 4 stars). 2 submissions from 2 submitters: Uncertain significance (2). Last evaluated 2024-07-27.

Allele frequency attached by ClinVar (database versions not stated): gnomAD 0.00001; gnomAD exomes 0.00001; ExAC 0.00002; TOPMed 0.00002.
gnomAD v4.1: 11 of 1,610,524 alleles (0.00068%); highest among the groups gnomAD compares: Admixed American, 0.0067%; no homozygotes.

Submissions (2):

Ambry Genetics
Classification: Uncertain significance. Last evaluated: 2024-07-27. Review status: criteria provided, single submitter. Criteria: Ambry Variant Classification Scheme 2023. Collection method: clinical testing. Allele origin: germline.

Labcorp Genetics (formerly Invitae), Labcorp
Classification: Uncertain significance. Last evaluated: 2023-05-04. Review status: criteria provided, single submitter. Criteria: Invitae Variant Classification Sherloc (09022015). Collection method: clinical testing. Allele origin: germline.
Comment: In summary, the available evidence is currently insufficient to determine the role of this variant in disease. Therefore, it has been classified as a Variant of Uncertain Significance. Advanced modeling of protein sequence and biophysical properties (such as structural, functional, and spatial information, amino acid conservation, physicochemical variation, residue mobility, and thermodynamic stability) performed at Invitae indicates that this missense variant is expected to disrupt FBN3 protein function. This variant has not been reported in the literature in individuals affected with FBN3-related conditions. This variant is present in population databases (rs774988617, gnomAD 0.006%). This sequence change replaces glycine, which is neutral and non-polar, with arginine, which is basic and polar, at codon 1742 of the FBN3 protein (p.Gly1742Arg).

NM_032447.5(FBN3):c.5224G>A (p.Gly1742Arg)

Gene: FBN3 (fibrillin 3; minus strand). Cytogenetic location: 19p13.2.
Variant type: single nucleotide variant.
Coding change: c.5224G>A on transcript NM_032447.5 (MANE Select); coding-DNA position 5224, G replaced by A.
Protein change: p.Gly1742Arg; replaces glycine 1742 with arginine.
Molecular consequence: missense variant.
Genome position (GRCh38, 1-based): chr19:8,097,352, C>T on the plus strand (G>A on the coding strand, the complement: FBN3 is on the minus strand). VCF-style: chr19-8097352-C-T. GRCh37 (hg19) VCF-style: chr19-8162236-C-T.
Other names: c.5224G>A (NM_032447.3); c.5224G>A, p.Gly1742Arg (NM_001321431.2); short protein forms G1742R.
Identifiers: ClinVar variation 2897353 (VCV002897353.4), dbSNP rs774988617, ClinGen allele CA9151744.
Genomic context (GRCh38, chr19:8,097,352, plus strand): 5'-CACAAGCCAGCAGGATGCTGTTGTAGTTGAAGCCTGCGGGGCACTCGCAGCGGAAACTCC[C>T]GATCTGGTTTATGCAGATGCCATTGGCACAGATGGCGGGGATCTCCCCACACTCATCAAT-3'
Protein context (NP_115823.3, residues 1732-1752): CANGICINQI[Gly1742Arg]SFRCECPAGF